The following is an entry in ClinVar:

NM_000260.4(MYO7A):c.6230G>A (p.Trp2077Ter)

Gene: MYO7A (myosin VIIA; plus strand). Cytogenetic location: 11q13.5.
Variant type: single nucleotide variant.
Coding change: c.6230G>A on transcript NM_000260.4 (MANE Select); coding-DNA position 6230, G replaced by A.
Protein change: p.Trp2077Ter; replaces tryptophan 2077 with a stop codon.
Molecular consequence: nonsense.
Genome position (GRCh38, 1-based): chr11:77,211,330, G>A. VCF-style: chr11-77211330-G-A. GRCh37 (hg19) VCF-style: chr11-76922375-G-A.
Other names: c.6116G>A, p.Trp2039Ter (NM_001127180.2); c.6083G>A, p.Trp2028Ter (NM_001369365.1); short protein forms W2077*, W2028*, W2039*.
Identifiers: ClinVar variation 620345 (VCV000620345.8), dbSNP rs776930594, ClinGen allele CA6198955.

ClinVar aggregate classification (germline): Pathogenic/Likely pathogenic. Review status: criteria provided, multiple submitters, no conflicts (2 of 4 stars). 5 submissions from 5 submitters: Pathogenic (2); Likely pathogenic (3). Last evaluated 2025-04-23.

Conditions:
Autosomal dominant nonsyndromic hearing loss 11. Identifiers: Orphanet 90635, MedGen C1832475, MONDO:0011032, OMIM 601317.
Autosomal recessive nonsyndromic hearing loss 2. Also called: DEAFNESS, AUTOSOMAL RECESSIVE 2; NEUROSENSORY NONSYNDROMIC RECESSIVE DEAFNESS 2. Identifiers: Orphanet 90636, MedGen C1838701, MONDO:0010807, OMIM 600060.
Usher syndrome type 1 (USH1). Also called: RETINITIS PIGMENTOSA AND CONGENITAL DEAFNESS. Identifiers: Orphanet 231169, Orphanet 886, MedGen C1568247, MONDO:0010168, OMIM 276900.
Usher syndrome type 1B (USH1B). Also called: Usher syndrome type IB. Identifiers: MedGen C1848638, MONDO:0700087.
MYO7A-related disorder. Also called: MYO7A-related disorders.

Allele frequency attached by ClinVar (database versions not stated): gnomAD exomes 0.00001; ExAC 0.00006.
gnomAD v4.1: 15 of 1,578,884 alleles (0.00095%); highest among the groups gnomAD compares: Non-Finnish European, 0.0013%; no homozygotes.

Submissions (5):

Natera, Inc.
Classification: Likely pathogenic for Usher syndrome type 1B. Last evaluated: 2025-04-23. Review status: criteria provided, single submitter. Criteria: Natera Variant Classification Schema (03/2026). Collection method: clinical testing. Allele origin: germline.
Comment: The c.6230G>A variant in MYO7A is a nonsense variant predicted to introduce a stop codon at amino acid 2077. This variant is expected to result in nonsense mediated decay, truncation, or a dysfunctional protein product. This variant is rare in the general population with a frequency below the threshold expected for the associated phenotype(s). Given the available evidence, this variant is classified as Likely Pathogenic.

Fulgent Genetics
Classification: Likely pathogenic for Usher syndrome type 1; Autosomal recessive nonsyndromic hearing loss 2; Autosomal dominant nonsyndromic hearing loss 11. Last evaluated: 2024-04-04. Review status: criteria provided, single submitter. Criteria: ACMG Guidelines, 2015. Collection method: clinical testing. Allele origin: germline.

Labcorp Genetics (formerly Invitae), Labcorp
Classification: Pathogenic. Last evaluated: 2023-06-25. Review status: criteria provided, single submitter. Criteria: Invitae Variant Classification Sherloc (09022015). Collection method: clinical testing. Allele origin: germline.
Comment: For these reasons, this variant has been classified as Pathogenic. ClinVar contains an entry for this variant (Variation ID: 620345). This variant has not been reported in the literature in individuals affected with MYO7A-related conditions. This variant is not present in population databases (gnomAD no frequency). This sequence change creates a premature translational stop signal (p.Trp2077*) in the MYO7A gene. It is expected to result in an absent or disrupted protein product. Loss-of-function variants in MYO7A are known to be pathogenic (PMID: 8900236, 25404053).

Blueprint Genetics
Classification: Likely pathogenic for MYO7A-related disorders. Last evaluated: 2023-05-15. Review status: criteria provided, single submitter. Criteria: ACMG Guidelines, 2015. Collection method: clinical testing. Allele origin: germline. Affected: yes. Observed: 4 variant alleles.

GeneDx
Classification: Pathogenic. Last evaluated: 2018-09-18. Review status: criteria provided, single submitter. Criteria: GeneDx Variant Classification (06012015). Collection method: clinical testing. Allele origin: germline. Affected: yes.
Comment: The W2077X variant in the MYO7A gene has not been reported previously as a pathogenic variant nor as a benign variant, to our knowledge. This variant is predicted to cause loss of normal protein function either through protein truncation or nonsense-mediated mRNA decay. The W2077X variant is not observed in large population cohorts (Lek et al., 2016). We interpret W2077X as a pathogenic variant.

Literature cited by the submitters: PubMed 8900236 (cited by Labcorp Genetics (formerly Invitae), Labcorp); PubMed 25404053 (cited by Labcorp Genetics (formerly Invitae), Labcorp).